The following is an entry in ClinVar:

ClinVar aggregate classification (germline): Conflicting classifications of pathogenicity. Review status: criteria provided, conflicting classifications (1 of 4 stars). 5 submissions from 5 submitters: Uncertain significance (2); Likely benign (3). Last evaluated 2026-01-22.

Conditions:
Hereditary cancer-predisposing syndrome. Also called: Neoplastic Syndromes, Hereditary; Hereditary neoplastic syndrome; Tumor predisposition; Hereditary Cancer Syndrome. Identifiers: Orphanet 140162, MedGen C0027672, MeSH D009386, MONDO:0015356.
Renal cell carcinoma. Identifiers: Orphanet 217071, MedGen C0007134, MeSH D002292, MONDO:0005086, HP:0005584.
Nonsyndromic genetic hearing loss. Also called: Nonsyndromic hearing loss and deafness; Nonsyndromic genetic deafness; Non-syndromic genetic deafness. Identifiers: Orphanet 87884, MedGen C5680182, MONDO:0019497.

Allele frequency attached by ClinVar (database versions not stated): gnomAD exomes 0.00004 and 0.00008; ExAC 0.00007; gnomAD 0.00009 and 0.00010; TOPMed 0.00009.
gnomAD v4.1: 78 of 1,609,018 alleles (0.0048%); highest among the groups gnomAD compares: South Asian, 0.04%; no homozygotes.

Submissions (5):

Labcorp Genetics (formerly Invitae), Labcorp
Classification: Likely benign for Renal cell carcinoma. Last evaluated: 2026-01-22. Review status: criteria provided, single submitter. Criteria: Invitae Variant Classification Sherloc (09022015). Collection method: clinical testing. Allele origin: germline.

Center for Genomic Medicine, Rigshospitalet, Copenhagen University Hospital
Classification: Likely benign. Last evaluated: 2025-03-04. Review status: criteria provided, single submitter. Criteria: ACMG Guidelines, 2015. Collection method: clinical testing. Allele origin: germline.

Department of Pathology and Laboratory Medicine, Sinai Health System
Classification: Uncertain significance for nonsyndromic genetic hearing loss. Last evaluated: 2023-10-24. Review status: criteria provided, single submitter. Criteria: ACMG Guidelines, 2015. Collection method: clinical testing. Allele origin: germline. Affected: yes.

Blueprint Genetics
Classification: Likely benign. Last evaluated: 2023-07-10. Review status: criteria provided, single submitter. Criteria: ACMG Guidelines, 2015. Collection method: clinical testing. Allele origin: germline.

Sema4
Classification: Uncertain significance for Hereditary cancer-predisposing syndrome. Last evaluated: 2021-11-19. Review status: criteria provided, single submitter. Criteria: Sema4 Curation Guidelines. Collection method: curation. Allele origin: germline.
Comment: The MET c.1863-12T>G variant has not been reported in the literature to our knowledge. It was observed in 11/30420 chromosomes of the South Asian (SAS) subpopulation in the large and broad cohorts of the Genome Aggregation Database (PMID: 32461654). This variant has not been reported in ClinVar. In silico tools suggest the variant may not have an impact on splicing, though these predictions have not been confirmed by functional studies. The evidence is insufficient to meet ACMG/AMP criteria for classifying the variant as benign or pathogenic. Thus, the clinical significance of this variant is currently uncertain.

NM_000245.4(MET):c.1863-12T>G

Gene: MET (MET proto-oncogene, receptor tyrosine kinase; plus strand). Cytogenetic location: 7q31.2.
Variant type: single nucleotide variant.
Coding change: c.1863-12T>G on transcript NM_000245.4 (MANE Select); 12 bases into the intron before coding-DNA position 1863, T replaced by G.
Molecular consequence: intron variant.
Genome position (GRCh38, 1-based): chr7:116,757,425, T>G. VCF-style: chr7-116757425-T-G. GRCh37 (hg19) VCF-style: chr7-116397479-T-G.
Other names: c.1863-12T>G (NM_001127500.3, NM_001324401.3); c.573-12T>G (NM_001324402.2).
Identifiers: ClinVar variation 1627509 (VCV001627509.13), dbSNP rs35189619, ClinGen allele CA4448308.
Genomic context (GRCh38, chr7:116,757,425, plus strand): 5'-CTTCCTATAAAACAACCTAACCAGAAAATTCCTTGGATTTGTCATGTATTAAACTTTGGG[T>G]TTTTTTTCCAGATTGAAATGCACAGTTGGTCCTGCCATGAATAAGCATTTCAATATGTCC-3'